The following is an entry in ClinVar:

NM_006012.4(CLPP):c.667G>A (p.Ala223Thr)

Gene: CLPP (caseinolytic mitochondrial matrix peptidase proteolytic subunit; plus strand). Cytogenetic location: 19p13.3.
Variant type: single nucleotide variant.
Coding change: c.667G>A on transcript NM_006012.4 (MANE Select); coding-DNA position 667, G replaced by A.
Protein change: p.Ala223Thr; replaces alanine 223 with threonine.
Molecular consequence: missense variant.
Genome position (GRCh38, 1-based): chr19:6,368,543, G>A. VCF-style: chr19-6368543-G-A. GRCh37 (hg19) VCF-style: chr19-6368554-G-A.
Other names: short protein forms A223T.
Identifiers: ClinVar variation 504859 (VCV000504859.8), dbSNP rs377653992, ClinGen allele CA9123007.

ClinVar aggregate classification (germline): Uncertain significance. Review status: criteria provided, multiple submitters, no conflicts (2 of 4 stars). 4 submissions from 4 submitters: Uncertain significance (4). Last evaluated 2025-03-20.

Allele frequency attached by ClinVar (database versions not stated): ESP Exome Variant Server 0.00015; TOPMed 0.00020; ExAC 0.00003; gnomAD exomes 0.00007 and 0.00014; gnomAD 0.00009 and 0.00011.
gnomAD v4.1: 212 of 1,614,022 alleles (0.013%); highest among the groups gnomAD compares: Admixed American, 0.03%; no homozygotes.

Submissions (4):

GeneDx
Classification: Uncertain significance. Last evaluated: 2025-03-20. Review status: criteria provided, single submitter. Criteria: GeneDx Variant Classification Process June 2021. Collection method: clinical testing. Allele origin: germline. Affected: yes.
Comment: In silico analysis supports that this missense variant does not alter protein structure/function; Has not been previously published as pathogenic or benign to our knowledge

Mayo Clinic Laboratories, Mayo Clinic
Classification: Uncertain significance. Last evaluated: 2022-08-25. Review status: criteria provided, single submitter. Criteria: ACMG Guidelines, 2015. Collection method: clinical testing. Allele origin: germline. Observed: 1 variant allele.
Comment: BP4, PM2

Labcorp Genetics (formerly Invitae), Labcorp
Classification: Uncertain significance. Last evaluated: 2022-07-28. Review status: criteria provided, single submitter. Criteria: Invitae Variant Classification Sherloc (09022015). Collection method: clinical testing. Allele origin: germline.
Comment: This sequence change replaces alanine, which is neutral and non-polar, with threonine, which is neutral and polar, at codon 223 of the CLPP protein (p.Ala223Thr). This variant is present in population databases (rs377653992, gnomAD 0.02%). This variant has not been reported in the literature in individuals affected with CLPP-related conditions. ClinVar contains an entry for this variant (Variation ID: 504859). Algorithms developed to predict the effect of missense changes on protein structure and function (SIFT, PolyPhen-2, Align-GVGD) all suggest that this variant is likely to be tolerated. In summary, the available evidence is currently insufficient to determine the role of this variant in disease. Therefore, it has been classified as a Variant of Uncertain Significance.

Laboratory for Molecular Medicine, Mass General Brigham Personalized Medicine
Classification: Uncertain significance. Last evaluated: 2016-08-09. Review status: criteria provided, single submitter. Criteria: LMM Criteria. Collection method: clinical testing. Allele origin: germline. Observed: 1 variant allele.
Comment: Variant classified as Uncertain Significance - Favor Benign. The p.Ala223Thr var iant in CLPP has not been previously reported in individuals with hearing loss, but has been identified in 3/65192 European chromosomes by the Exome Aggregation Consortium (ExAC; dbSNP rs377653992). Although this variant has been seen in the general population, its frequency is not high enough to rule out a pathogenic role. Alanine (Ala) at position 223 is not conse rved across evolutionarily distant species including mammals. Of note, the green sea turtle carries a threonine (Thr) at this position, raising the possibility that this change may be tolerated. Additional computational prediction tools sug gest that this variant may not impact the protein, though this information is no t predictive enough to rule out pathogenicity. In summary, while the clinical si gnificance of the p.Ala223Thr variant is uncertain, available data suggest that it is more likely to be benign.